The following is an entry in ClinVar:

NM_000388.4(CASR):c.1802A>G (p.Lys601Arg)

Gene: CASR (calcium sensing receptor; plus strand). Cytogenetic location: 3q21.1.
Variant type: single nucleotide variant.
Coding change: c.1802A>G on transcript NM_000388.4 (MANE Select); coding-DNA position 1802, A replaced by G.
Protein change: p.Lys601Arg; replaces lysine 601 with arginine.
Molecular consequence: missense variant.
Genome position (GRCh38, 1-based): chr3:122,283,756, A>G. VCF-style: chr3-122283756-A-G. GRCh37 (hg19) VCF-style: chr3-122002603-A-G.
Other names: c.1832A>G, p.Lys611Arg (NM_001178065.2); short protein forms K601R, K611R.
Identifiers: ClinVar variation 1321363 (VCV001321363.1), dbSNP rs2107649424, ClinGen allele CA354157413.

ClinVar aggregate classification (germline): Uncertain significance (1 of 4 stars; one submission).

Submission:

Women's Health and Genetics/Laboratory Corporation of America, LabCorp
Classification: Uncertain significance. Last evaluated: 2021-10-11. Review status: criteria provided, single submitter. Criteria: LabCorp Variant Classification Summary - May 2015. Collection method: clinical testing. Allele origin: germline.
Comment: Variant summary: CASR c.1802A>G (p.Lys601Arg) results in a conservative amino acid change in the encoded protein sequence. Four of five in-silico tools predict a damaging effect of the variant on protein function. The variant was absent in 251486 control chromosomes. The available data on variant occurrences in the general population are insufficient to allow any conclusion about variant significance. To our knowledge, no occurrence of c.1802A>G in individuals affected with Familial Hypocalciuric Hypercalcemia and no experimental evidence demonstrating its impact on protein function have been reported. No clinical diagnostic laboratories have submitted clinical-significance assessments for this variant to ClinVar after 2014. Based on the evidence outlined above, the variant was classified as uncertain significance.